The following is an entry in ClinVar:

NM_000455.5(STK11):c.232A>G (p.Lys78Glu)

Gene: STK11 (serine/threonine kinase 11; plus strand). Cytogenetic location: 19p13.3.
Variant type: single nucleotide variant.
Coding change: c.232A>G on transcript NM_000455.5 (MANE Select); coding-DNA position 232, A replaced by G.
Protein change: p.Lys78Glu; replaces lysine 78 with glutamic acid.
Molecular consequence: missense variant. On other transcripts: non-coding transcript variant (1).
Genome position (GRCh38, 1-based): chr19:1,207,145, A>G. VCF-style: chr19-1207145-A-G. GRCh37 (hg19) VCF-style: chr19-1207144-A-G.
Other names: c.232A>G, p.Lys78Glu (NM_001407255.1); short protein forms K78E.
Identifiers: ClinVar variation 3648643 (VCV003648643.2).

ClinVar aggregate classification (germline): Uncertain significance (1 of 4 stars; one submission).

Conditions:
Peutz-Jeghers syndrome (PJS). Also called: POLYPOSIS, HAMARTOMATOUS INTESTINAL; POLYPS-AND-SPOTS SYNDROME; Peutz-Jeghers polyposis; Periorificial lentiginosis syndrome. Identifiers: Orphanet 2869, MedGen C0031269, MeSH D010580, MONDO:0008280, OMIM 175200.

Submission:

Labcorp Genetics (formerly Invitae), Labcorp
Classification: Uncertain significance for Peutz-Jeghers syndrome. Last evaluated: 2024-04-03. Review status: criteria provided, single submitter. Criteria: Invitae Variant Classification Sherloc (09022015). Collection method: clinical testing. Allele origin: germline.
Comment: This sequence change replaces lysine, which is basic and polar, with glutamic acid, which is acidic and polar, at codon 78 of the STK11 protein (p.Lys78Glu). This variant is not present in population databases (gnomAD no frequency). This variant has not been reported in the literature in individuals affected with STK11-related conditions. Advanced modeling of protein sequence and biophysical properties (such as structural, functional, and spatial information, amino acid conservation, physicochemical variation, residue mobility, and thermodynamic stability) performed at Invitae indicates that this missense variant is expected to disrupt STK11 protein function with a positive predictive value of 95%. In summary, the available evidence is currently insufficient to determine the role of this variant in disease. Therefore, it has been classified as a Variant of Uncertain Significance.